The following is an entry in ClinVar:

ClinVar aggregate classification (germline): Uncertain significance (1 of 4 stars; one submission).

Conditions:
Inborn genetic diseases. Identifiers: MedGen C0950123, MeSH D030342.

Submission:

Ambry Genetics
Classification: Uncertain significance for Inborn genetic diseases. Last evaluated: 2026-06-20. Review status: criteria provided, single submitter. Criteria: Ambry Variant Classification Scheme 2023. Collection method: clinical testing. Allele origin: germline.
Comment: The p.W41C variant (also known as c.123G>T), located in coding exon 2 of the ELANE gene, results from a G to T substitution at nucleotide position 123. The tryptophan at codon 41 is replaced by cysteine, an amino acid with highly dissimilar properties. This amino acid position is conserved. In addition, the in silico prediction for this alteration is inconclusive. Based on the available evidence, the clinical significance of this variant remains unclear.

NM_001972.4(ELANE):c.123G>T (p.Trp41Cys)

Gene: ELANE (elastase, neutrophil expressed; plus strand). Cytogenetic location: 19p13.3.
Variant type: single nucleotide variant.
Coding change: c.123G>T on transcript NM_001972.4 (MANE Select); coding-DNA position 123, G replaced by T.
Protein change: p.Trp41Cys; replaces tryptophan 41 with cysteine.
Molecular consequence: missense variant.
Genome position (GRCh38, 1-based): chr19:852,931, G>T. VCF-style: chr19-852931-G-T. GRCh37 (hg19) VCF-style: chr19-852931-G-T.
Other names: short protein forms W41C.
Identifiers: ClinVar variation 5035877 (VCV005035877.1).
Genomic context (GRCh38, chr19:852,931, plus strand): 5'-CCCAGGCACCGCGCTGGCCTCGGAGATTGTGGGGGGCCGGCGAGCGCGGCCCCACGCGTG[G>T]CCCTTCATGGTGTCCCTGCAGCTGCGCGGAGGCCACTTCTGCGGCGCCACCCTGATTGCG-3'
Protein context (NP_001963.1, residues 31-51): VGGRRARPHA[Trp41Cys]PFMVSLQLRG